The following is an entry in ClinVar:

NM_152703.5(SAMD9L):c.411G>C (p.Met137Ile)

Gene: SAMD9L (sterile alpha motif domain containing 9 like; minus strand). Cytogenetic location: 7q21.2.
Variant type: single nucleotide variant.
Coding change: c.411G>C on transcript NM_152703.5 (MANE Select); coding-DNA position 411, G replaced by C.
Protein change: p.Met137Ile; replaces methionine 137 with isoleucine.
Molecular consequence: missense variant.
Genome position (GRCh38, 1-based): chr7:93,135,561, C>G on the plus strand (G>C on the coding strand, the complement: SAMD9L is on the minus strand). VCF-style: chr7-93135561-C-G. GRCh37 (hg19) VCF-style: chr7-92764874-C-G.
Other names: c.411G>C, p.Met137Ile (NM_001303496.3, NM_001303497.3, NM_001303498.3 and 5 more transcripts); c.411G>C (NM_152703.2); short protein forms M137I.
Identifiers: ClinVar variation 3368100 (VCV003368100.3).

ClinVar aggregate classification (germline): Uncertain significance. Review status: criteria provided, multiple submitters, no conflicts (2 of 4 stars). 2 submissions from 2 submitters: Uncertain significance (2). Last evaluated 2025-08-09.

Conditions:
Inborn genetic diseases. Identifiers: MedGen C0950123, MeSH D030342.

Submissions (2):

Ambry Genetics
Classification: Uncertain significance for Inborn genetic diseases. Last evaluated: 2025-08-09. Review status: criteria provided, single submitter. Criteria: Ambry Variant Classification Scheme 2023. Collection method: clinical testing. Allele origin: germline.

GeneDx
Classification: Uncertain significance. Last evaluated: 2024-01-21. Review status: criteria provided, single submitter. Criteria: GeneDx Variant Classification Process June 2021. Collection method: clinical testing. Allele origin: germline. Affected: yes.
Comment: Not observed at significant frequency in large population cohorts (gnomAD); In silico analysis supports that this missense variant does not alter protein structure/function; Has not been previously published as pathogenic or benign to our knowledge